The following is an entry in ClinVar:

NM_138927.4(SON):c.4996C>G (p.Leu1666Val)

Gene: SON (SON DNA and RNA binding protein; plus strand). Cytogenetic location: 21q22.11.
Variant type: single nucleotide variant.
Coding change: c.4996C>G on transcript NM_138927.4 (MANE Select); coding-DNA position 4996, C replaced by G.
Protein change: p.Leu1666Val; replaces leucine 1666 with valine.
Molecular consequence: missense variant. On other transcripts: non-coding transcript variant (1), intron variant (1).
Genome position (GRCh38, 1-based): chr21:33,554,227, C>G. VCF-style: chr21-33554227-C-G. GRCh37 (hg19) VCF-style: chr21-34926533-C-G.
Other names: c.4996C>G, p.Leu1666Val (NM_001291411.2, NM_001412133.1, NM_032195.3 and 2 more transcripts); c.245-2929C>G (NM_001291412.3); c.4996C>G (NM_138927.2); short protein forms L1666V.
Identifiers: ClinVar variation 2442222 (VCV002442222.3), dbSNP rs776908520, ClinGen allele CA410163829.

ClinVar aggregate classification (germline): Uncertain significance. Review status: criteria provided, multiple submitters, no conflicts (2 of 4 stars). 2 submissions from 2 submitters: Uncertain significance (2). Last evaluated 2026-01-16.

Conditions:
ZTTK syndrome (ZTTKS). Also called: Zhu-Tokita-Takenouchi-Kim Syndrome; ZTTK MULTIPLE CONGENITAL ANOMALIES-MENTAL RETARDATION SYNDROME. Identifiers: Orphanet 500150, MedGen C4310696, MONDO:0014936, OMIM 617140.
SON-related disorder. Also called: SON-related condition.

gnomAD v4.1: 4 of 1,613,972 alleles (0.00025%); highest among the groups gnomAD compares: Non-Finnish European, 0.00034%; no homozygotes.

Submissions (2):

PreventionGenetics, part of Exact Sciences
Classification: Uncertain significance for SON-related condition. Last evaluated: 2026-01-16. Review status: criteria provided, single submitter. Criteria: ACMG Guidelines, 2015. Collection method: clinical testing. Allele origin: germline.
Comment: The SON c.4996C>G variant is predicted to result in the amino acid substitution p.Leu1666Val. To our knowledge, this variant has not been reported in the literature or in a large population database, indicating this variant is rare. At this time, the clinical significance of this variant is uncertain due to the absence of conclusive functional and genetic evidence.

Baylor Genetics
Classification: Uncertain significance for ZTTK syndrome. Last evaluated: 2022-05-23. Review status: criteria provided, single submitter. Criteria: ACMG Guidelines, 2015. Collection method: clinical testing. Allele origin: unknown.